The following is an entry in ClinVar:

ClinVar aggregate classification (germline): Benign/Likely benign. Review status: criteria provided, multiple submitters, no conflicts (2 of 4 stars). 10 submissions from 10 submitters: Benign (1); Likely benign (8). 1 of the submissions does not count toward it. Last evaluated 2026-01-28.

Conditions:
Hereditary cancer-predisposing syndrome. Also called: Tumor predisposition; Neoplastic Syndromes, Hereditary; Hereditary neoplastic syndrome; Hereditary Cancer Syndrome. Identifiers: Orphanet 140162, MedGen C0027672, MeSH D009386, MONDO:0015356.
Hereditary diffuse gastric adenocarcinoma (HDGC). Also called: DIFFUSE GASTRIC AND LOBULAR BREAST CANCER SYNDROME. Identifiers: Orphanet 26106, MedGen C1708349, MONDO:0007648, OMIM 137215.
Malignant tumor of breast. Also called: Malignant breast neoplasm; Cancer breast. Identifiers: MedGen C0006142, MONDO:0007254. Disease mechanism: loss of function.

Allele frequency attached by ClinVar (database versions not stated): gnomAD 0.00002; TOPMed 0.00002.
gnomAD v4.1: 13 of 1,612,956 alleles (0.00081%); highest among the groups gnomAD compares: African/African-American, 0.0053%; no homozygotes.

Submissions (10):

Labcorp Genetics (formerly Invitae), Labcorp
Classification: Likely benign for Hereditary diffuse gastric adenocarcinoma. Last evaluated: 2026-01-28. Review status: criteria provided, single submitter. Criteria: Invitae Variant Classification Sherloc (09022015). Collection method: clinical testing. Allele origin: germline.

Quest Diagnostics Nichols Institute San Juan Capistrano
Classification: Likely benign. Last evaluated: 2025-04-29. Review status: criteria provided, single submitter. Criteria: Quest Diagnostics criteria. Collection method: clinical testing. Allele origin: unknown.

Myriad Genetics, Inc.
Classification: Benign for Hereditary diffuse gastric adenocarcinoma. Last evaluated: 2024-09-12. Review status: criteria provided, single submitter. Criteria: Myriad Autosomal Dominant, Autosomal Recessive and X-Linked Classification Criteria (2023). Collection method: clinical testing. Allele origin: unknown.
Comment: This variant is considered benign. This variant is a silent/synonymous amino acid change and it is not expected to impact splicing.

Institute for Biomarker Research, Medical Diagnostic Laboratories, L.L.C.
Classification: Likely benign for Hereditary cancer-predisposing syndrome. Last evaluated: 2024-04-02. Review status: criteria provided, single submitter. Criteria: ACMG Guidelines, 2015. Collection method: clinical testing. Allele origin: germline.

Blueprint Genetics
Classification: Likely benign. Last evaluated: 2023-03-24. Review status: criteria provided, single submitter. Criteria: ACMG Guidelines, 2015. Collection method: clinical testing. Allele origin: germline.

GeneDx
Classification: Likely benign. Last evaluated: 2021-11-02. Review status: criteria provided, single submitter. Criteria: GeneDx Variant Classification Process June 2021. Collection method: clinical testing. Allele origin: germline. Affected: yes.

Women's Health and Genetics/Laboratory Corporation of America, LabCorp
Classification: Likely benign. Last evaluated: 2019-08-28. Review status: criteria provided, single submitter. Criteria: LabCorp Variant Classification Summary - May 2015. Collection method: clinical testing. Allele origin: germline.

Color Diagnostics, LLC DBA Color Health
Classification: Likely benign for Hereditary cancer-predisposing syndrome. Last evaluated: 2016-05-04. Review status: criteria provided, single submitter. Criteria: ACMG Guidelines, 2015. Collection method: clinical testing. Allele origin: germline.

Ambry Genetics
Classification: Likely benign for Hereditary cancer-predisposing syndrome. Last evaluated: 2015-04-22. Review status: criteria provided, single submitter. Criteria: Ambry Variant Classification Scheme 2023. Collection method: clinical testing. Allele origin: germline.

Department of Pathology and Laboratory Medicine, Sinai Health System
Classification: Likely benign for Malignant tumor of breast. Review status: no assertion criteria provided. Collection method: clinical testing. Allele origin: unknown. Affected: yes. Study: The Canadian Open Genetics Repository (COGR). Not counted in ClinVar's aggregate classification.
Comment: The CDH1 p.Pro126= variant was not identified in the literature nor was it identified in the Cosmic, MutDB, or Zhejiang Colon Cancer Database. The variant was identified in dbSNP (ID: rs786201504) as With Likely benign allele, ClinVar (classified as likely benign by Ambry Genetics, Invitae, GeneDx) and Clinvitae. The variant was not identified in the 1000 Genomes Project, the NHLBI GO Exome Sequencing Project, the Exome Aggregation Consortium (August 8th 2016), or the Genome Aggregation Database (Feb 27, 2017). The p.Pro126= variant is not expected to have clinical significance because it does not result in a change of amino acid and is not located in a known consensus splice site. In addition, in silico or computational prediction software programs (SpliceSiteFinder, MaxEntScan, NNSPLICE, GeneSplicer, HumanSpliceFinder) do not predict a difference in splicing. In summary, based on the above information, the clinical significance of this variant cannot be determined with certainty at this time although we would lean towards a more benign role for this variant. This variant is classified as likely benign.

Literature cited by the submitters: PubMed 30287823 (cited by Quest Diagnostics Nichols Institute San Juan Capistrano).

NM_004360.5(CDH1):c.378G>A (p.Pro126=)

Gene: CDH1 (cadherin 1; plus strand). Cytogenetic location: 16q22.1.
Variant type: single nucleotide variant.
Coding change: c.378G>A on transcript NM_004360.5 (MANE Select); coding-DNA position 378, G replaced by A.
Protein change: p.Pro126=; no amino-acid change (proline 126 retained).
Molecular consequence: synonymous variant. On other transcripts: 5 prime UTR variant (2).
Genome position (GRCh38, 1-based): chr16:68,801,884, G>A. VCF-style: chr16-68801884-G-A. GRCh37 (hg19) VCF-style: chr16-68835787-G-A.
Other names: c.378G>A (LRG_301t1); c.378G>A, p.Pro126= (NM_001317184.2); c.-1238G>A (NM_001317185.2); c.-1442G>A (NM_001317186.2).
Identifiers: ClinVar variation 184503 (VCV000184503.28), dbSNP rs786201504, ClinGen allele CA189142.